The following is an entry in ClinVar:

ClinVar aggregate classification (germline): Uncertain significance (1 of 4 stars; one submission).

Conditions:
Cardiovascular phenotype. Identifiers: MedGen CN230736.

Allele frequency attached by ClinVar (database versions not stated): ExAC 0.00001; gnomAD 0.00002; TOPMed 0.00002; ESP Exome Variant Server 0.00008.

Submission:

Ambry Genetics
Classification: Uncertain significance for Cardiovascular phenotype. Last evaluated: 2023-06-03. Review status: criteria provided, single submitter. Criteria: Ambry Variant Classification Scheme 2023. Collection method: clinical testing. Allele origin: germline.
Comment: The p.N600S variant (also known as c.1799A>G), located in coding exon 11 of the EPHB4 gene, results from an A to G substitution at nucleotide position 1799. The asparagine at codon 600 is replaced by serine, an amino acid with highly similar properties. This amino acid position is conserved. In addition, this alteration is predicted to be tolerated by in silico analysis. Since supporting evidence is limited at this time, the clinical significance of this alteration remains unclear.

NM_004444.5(EPHB4):c.1799A>G (p.Asn600Ser)

Gene: EPHB4 (EPH receptor B4; minus strand). Cytogenetic location: 7q22.1.
Variant type: single nucleotide variant.
Coding change: c.1799A>G on transcript NM_004444.5 (MANE Select); coding-DNA position 1799, A replaced by G.
Protein change: p.Asn600Ser; replaces asparagine 600 with serine.
Molecular consequence: missense variant.
Genome position (GRCh38, 1-based): chr7:100,813,166, T>C on the plus strand (A>G on the coding strand, the complement: EPHB4 is on the minus strand). VCF-style: chr7-100813166-T-C. GRCh37 (hg19) VCF-style: chr7-100410788-T-C.
Other names: short protein forms N600S.
Identifiers: ClinVar variation 2565159 (VCV002565159.2), dbSNP rs139432679, ClinGen allele CA4392822.